The following is an entry in ClinVar:

NM_000222.3(KIT):c.912C>T (p.Thr304=)

Gene: KIT (KIT proto-oncogene, receptor tyrosine kinase; plus strand). Cytogenetic location: 4q12.
Variant type: single nucleotide variant.
Coding change: c.912C>T on transcript NM_000222.3 (MANE Select); coding-DNA position 912, C replaced by T.
Protein change: p.Thr304=; no amino-acid change (threonine 304 retained).
Molecular consequence: synonymous variant.
Genome position (GRCh38, 1-based): chr4:54,703,879, C>T. VCF-style: chr4-54703879-C-T. GRCh37 (hg19) VCF-style: chr4-55570045-C-T.
Other names: c.912C>T, p.Thr304= (NM_001093772.2, NM_001385285.1, NM_001385286.1); c.915C>T, p.Thr305= (NM_001385284.1, NM_001385288.1, NM_001385290.1 and 1 more transcripts).
Identifiers: ClinVar variation 415786 (VCV000415786.17), dbSNP rs999025845, ClinGen allele CA16611591.

ClinVar aggregate classification (germline): Conflicting classifications of pathogenicity. Review status: criteria provided, conflicting classifications (1 of 4 stars). 4 submissions from 4 submitters: Uncertain significance (1); Benign (1); Likely benign (2). Last evaluated 2026-06-03.

Conditions:
Hereditary cancer-predisposing syndrome. Also called: Neoplastic Syndromes, Hereditary; Hereditary Cancer Syndrome; Hereditary neoplastic syndrome; Tumor predisposition. Identifiers: Orphanet 140162, MedGen C0027672, MeSH D009386, MONDO:0015356.
Gastrointestinal stromal tumor. Also called: Gastrointestinal stroma tumor; Gastrointestinal stromal tumor, somatic. Identifiers: Orphanet 44890, MedGen C0238198, MeSH D046152, MONDO:0011719, OMIM 606764, HP:0100723.

Allele frequency attached by ClinVar (database versions not stated): gnomAD 0.00001; gnomAD exomes 0.00001.
gnomAD v4.1: 8 of 1,613,092 alleles (0.0005%); highest among the groups gnomAD compares: Admixed American, 0.0067%; no homozygotes.

Submissions (4):

Myriad Genetics, Inc.
Classification: Benign for Gastrointestinal stromal tumor. Last evaluated: 2026-06-03. Review status: criteria provided, single submitter. Criteria: Myriad Autosomal Dominant, Autosomal Recessive and X-Linked Classification Criteria (2023). Collection method: clinical testing. Allele origin: unknown.
Comment: This variant is considered benign. This variant is a silent/synonymous amino acid change and it is not expected to impact splicing.

Labcorp Genetics (formerly Invitae), Labcorp
Classification: Likely benign for Gastrointestinal stromal tumor. Last evaluated: 2025-12-10. Review status: criteria provided, single submitter. Criteria: Invitae Variant Classification Sherloc (09022015). Collection method: clinical testing. Allele origin: germline.

GeneDx
Classification: Uncertain significance. Last evaluated: 2024-05-14. Review status: criteria provided, single submitter. Criteria: GeneDx Variant Classification Process June 2021. Collection method: clinical testing. Allele origin: germline. Affected: yes.
Comment: Not observed at significant frequency in large population cohorts (gnomAD); In silico analysis supports that this variant does not alter splicing; Has not been previously published as pathogenic or benign to our knowledge

Ambry Genetics
Classification: Likely benign for Hereditary cancer-predisposing syndrome. Last evaluated: 2018-11-14. Review status: criteria provided, single submitter. Criteria: Ambry Variant Classification Scheme 2023. Collection method: clinical testing. Allele origin: germline.